The following is an entry in ClinVar:

NM_001370259.2(MEN1):c.1231G>C (p.Ala411Pro)

Gene: MEN1 (menin 1; minus strand). Cytogenetic location: 11q13.1.
Variant type: single nucleotide variant.
Coding change: c.1231G>C on transcript NM_001370259.2 (MANE Select); coding-DNA position 1231, G replaced by C.
Protein change: p.Ala411Pro; replaces alanine 411 with proline.
Molecular consequence: missense variant.
Genome position (GRCh38, 1-based): chr11:64,805,153, C>G on the plus strand (G>C on the coding strand, the complement: MEN1 is on the minus strand). VCF-style: chr11-64805153-C-G. GRCh37 (hg19) VCF-style: chr11-64572625-C-G.
Other names: c.1246G>C, p.Ala416Pro (NM_000244.4, NM_001407145.1, NM_130800.3 and 4 more transcripts); c.1357G>C, p.Ala453Pro (NM_001370251.2, NM_001407142.1, NM_001407143.1 and 1 more transcripts); c.1231G>C, p.Ala411Pro (NM_001370260.2, NM_001370261.2, NM_001407146.1 and 2 more transcripts); c.1126G>C, p.Ala376Pro (NM_001370262.2, NM_001370263.2, NM_001407148.1 and 1 more transcripts); c.1372G>C, p.Ala458Pro (NM_001407150.1); c.1252G>C, p.Ala418Pro (NM_001407151.1); short protein forms A376P, A411P, A416P, A418P, A453P, A458P.
Identifiers: ClinVar variation 2137142 (VCV002137142.4), dbSNP rs757179911, ClinGen allele CA381180634.

ClinVar aggregate classification (germline): Likely pathogenic (1 of 4 stars; one submission).

Conditions:
Multiple endocrine neoplasia, type 1 (MEN1). Also called: WERMER SYNDROME; Endocrine adenomatosis multiple; MEN 1; MEA I; MEN I. Identifiers: Orphanet 652, MedGen C0025267, MeSH D018761, MONDO:0007540, OMIM 131100.

Submission:

Labcorp Genetics (formerly Invitae), Labcorp
Classification: Likely pathogenic for Multiple endocrine neoplasia, type 1. Last evaluated: 2022-09-02. Review status: criteria provided, single submitter. Criteria: Invitae Variant Classification Sherloc (09022015). Collection method: clinical testing. Allele origin: germline.
Comment: This sequence change replaces alanine, which is neutral and non-polar, with proline, which is neutral and non-polar, at codon 411 of the MEN1 protein (p.Ala411Pro). This variant is not present in population databases (gnomAD no frequency). This missense change has been observed in individual(s) with MEN1-related conditions (PMID: 12699448). It has also been observed to segregate with disease in related individuals. Advanced modeling of protein sequence and biophysical properties (such as structural, functional, and spatial information, amino acid conservation, physicochemical variation, residue mobility, and thermodynamic stability) performed at Invitae indicates that this missense variant is expected to disrupt MEN1 protein function. Experimental studies have shown that this missense change affects MEN1 function (PMID: 21819486). In summary, the currently available evidence indicates that the variant is pathogenic, but additional data are needed to prove that conclusively. Therefore, this variant has been classified as Likely Pathogenic.

Literature cited by the submitters: PubMed 12699448; PubMed 21819486.